The following is an entry in ClinVar:

ClinVar aggregate classification (germline): Uncertain significance. Review status: criteria provided, multiple submitters, no conflicts (2 of 4 stars). 3 submissions from 3 submitters: Uncertain significance (2). 1 of the submissions does not count toward it. Last evaluated 2025-11-03.

Conditions:
Dyskeratosis congenita, autosomal recessive 5 (DKCB5). Identifiers: MedGen C3554656, MONDO:0014076, OMIM 615190.
Pulmonary fibrosis and/or bone marrow failure, Telomere-related, 3. Also called: PULMONARY FIBROSIS AND/OR BONE MARROW FAILURE SYNDROME, TELOMERE-RELATED, 3. Identifiers: Orphanet 2032, MedGen C4225346, MONDO:0014613, OMIM 616373.
Dyskeratosis congenita. Identifiers: Orphanet 1775, MedGen C0265965, MONDO:0015780.

Allele frequency attached by ClinVar (database versions not stated): gnomAD exomes 0.00001; TOPMed 0.00001; ExAC 0.00002.
gnomAD v4.1: 1 of 1,582,516 alleles (0.000063%); no homozygotes.

Submissions (3):

Labcorp Genetics (formerly Invitae), Labcorp
Classification: Uncertain significance for Dyskeratosis congenita, autosomal recessive 5; Pulmonary fibrosis and/or bone marrow failure, Telomere-related, 3. Last evaluated: 2025-11-03. Review status: criteria provided, single submitter. Criteria: Invitae Variant Classification Sherloc (09022015). Collection method: clinical testing. Allele origin: germline.
Comment: This sequence change replaces alanine, which is neutral and non-polar, with glycine, which is neutral and non-polar, at codon 836 of the RTEL1 protein (p.Ala836Gly). The frequency data for this variant in the population databases is considered unreliable, as metrics indicate poor data quality at this position in the gnomAD database. This variant has not been reported in the literature in individuals affected with RTEL1-related conditions. ClinVar contains an entry for this variant (Variation ID: 540936). An algorithm developed to predict the effect of missense changes on protein structure and function (PolyPhen-2) suggests that this variant is likely to be tolerated. In summary, the available evidence is currently insufficient to determine the role of this variant in disease. Therefore, it has been classified as a Variant of Uncertain Significance.

Blueprint Genetics
Classification: Uncertain significance. Last evaluated: 2024-11-05. Review status: criteria provided, single submitter. Criteria: ACMG Guidelines, 2015. Collection method: clinical testing. Allele origin: germline.

Natera, Inc.
Classification: Uncertain significance for Dyskeratosis congenita. Last evaluated: 2020-01-24. Review status: no assertion criteria provided. Collection method: clinical testing. Allele origin: germline. Not counted in ClinVar's aggregate classification.

NM_001283009.2(RTEL1):c.2507C>G (p.Ala836Gly)

Genes: RTEL1 (regulator of telomere elongation helicase 1; plus strand), RTEL1-TNFRSF6B (RTEL1-TNFRSF6B readthrough (NMD candidate); plus strand). Cytogenetic location: 20q13.33.
Variant type: single nucleotide variant.
Coding change: c.2507C>G on transcript NM_001283009.2 (MANE Select); coding-DNA position 2507, C replaced by G.
Protein change: p.Ala836Gly; replaces alanine 836 with glycine.
Molecular consequence: missense variant. On other transcripts: non-coding transcript variant (1).
Genome position (GRCh38, 1-based): chr20:63,690,898, C>G. VCF-style: chr20-63690898-C-G. GRCh37 (hg19) VCF-style: chr20-62322251-C-G.
Other names: c.1838C>G, p.Ala613Gly (NM_001283010.1); c.2507C>G, p.Ala836Gly (NM_016434.4); c.2579C>G, p.Ala860Gly (NM_032957.5); short protein forms A860G, A836G, A613G.
Identifiers: ClinVar variation 540936 (VCV000540936.11), dbSNP rs761063091, ClinGen allele CA9965378.